The following is an entry in ClinVar:

ClinVar aggregate classification (germline): Conflicting classifications of pathogenicity. Review status: criteria provided, conflicting classifications (1 of 4 stars). 2 submissions from 2 submitters: Uncertain significance (1); Likely benign (1). Last evaluated 2024-09-20.

Conditions:
Autosomal dominant Robinow syndrome 3. Identifiers: Orphanet 3107, Orphanet 97360, MedGen C4225164, MONDO:0014819, OMIM 616894.
Inborn genetic diseases. Identifiers: MedGen C0950123, MeSH D030342.

Submissions (2):

3billion
Classification: Likely benign for Autosomal dominant Robinow syndrome 3. Last evaluated: 2024-09-20. Review status: criteria provided, single submitter. Criteria: ACMG Guidelines, 2015. Collection method: clinical testing. Allele origin: germline. Affected: no.
Comment: The variant was identified in at least one patient who was diagnosed with a different variant in another gene and showed no symptoms related to the gene containing the variant in question.

Ambry Genetics
Classification: Uncertain significance for Inborn genetic diseases. Last evaluated: 2023-02-07. Review status: criteria provided, single submitter. Criteria: Ambry Variant Classification Scheme 2023. Collection method: clinical testing. Allele origin: germline.

NM_004423.4(DVL3):c.466A>T (p.Thr156Ser)

Gene: DVL3 (dishevelled segment polarity protein 3; plus strand). Cytogenetic location: 3q27.1.
Variant type: single nucleotide variant.
Coding change: c.466A>T on transcript NM_004423.4 (MANE Select); coding-DNA position 466, A replaced by T.
Protein change: p.Thr156Ser; replaces threonine 156 with serine.
Molecular consequence: missense variant.
Genome position (GRCh38, 1-based): chr3:184,164,798, A>T. VCF-style: chr3-184164798-A-T. GRCh37 (hg19) VCF-style: chr3-183882586-A-T.
Other names: short protein forms T156S.
Identifiers: ClinVar variation 2482080 (VCV002482080.3), dbSNP rs201932377, ClinGen allele CA355405511.